The following is an entry in ClinVar:

NM_001130987.2(DYSF):c.4528-2del

Gene: DYSF (dysferlin; plus strand). Cytogenetic location: 2p13.2.
Variant type: Deletion.
Coding change: c.4528-2del on transcript NM_001130987.2 (MANE Select); the canonical splice acceptor site of the intron before coding-DNA position 4528, one base deleted (A; older notation c.4528-2delA).
Molecular consequence: splice acceptor variant.
Genome position (GRCh38, 1-based): chr2:71,643,963, A deleted. VCF-style (leftmost placement, unchanged base first): chr2-71643962-CA-C. GRCh37 (hg19) VCF-style: chr2-71871092-CA-C.
Other names: c.4504-2del (NM_001130979.2); c.4525-2del (NM_001130981.2); c.4462-2del (NM_001130980.2); c.4474-2del (NM_001130978.2); c.4411-2del (NM_003494.4); c.4432-2del (NM_001130977.2); c.4369-2del (NM_001130976.2); c.4507-2del (NM_001130982.2); and 5 more.
Identifiers: ClinVar variation 2175029 (VCV002175029.7), dbSNP rs1401992478, ClinGen allele CA892653494.
Genomic context (GRCh38, chr2:71,643,962, plus strand): 5'-TCTGAAGAATGCTGCTTGGCGAGTCCTGTTTCTGAAATGGTCTCTTTCTTTCTACCCACT[CA>C]GGAGGAAGAGTTCATCGATTGGTGGAGCAAATTCTTTGCCTCCATAGGGGAGAGGGAAAA-3'

ClinVar aggregate classification (germline): Likely pathogenic. Review status: criteria provided, multiple submitters, no conflicts (2 of 4 stars). 3 submissions from 3 submitters: Likely pathogenic (3). Last evaluated 2024-02-17.

Conditions:
Neuromuscular disease caused by qualitative or quantitative defects of dysferlin. Also called: Dysferlinopathy; Qualitative or quantitative defects of dysferlin. Identifiers: Orphanet 207073, MedGen C2931687, MONDO:0016145.
Miyoshi muscular dystrophy 1 (MMD1). Identifiers: Orphanet 45448, MedGen C4551973, MONDO:0024545, OMIM 254130.
Autosomal recessive limb-girdle muscular dystrophy type 2B (LGMDR2). Also called: Limb-Girdle Muscular Dystrophy Type 2B (LGMD2B); MUSCULAR DYSTROPHY, LIMB-GIRDLE, TYPE 3; Limb-girdle muscular dystrophy, type 2B; MUSCULAR DYSTROPHY, LIMB-GIRDLE, AUTOSOMAL RECESSIVE 2. Identifiers: Orphanet 268, MedGen C1850889, MONDO:0009676, OMIM 253601.
Distal myopathy with anterior tibial onset. Identifiers: Orphanet 178400, MedGen C1847532, MONDO:0011721, OMIM 606768.

Allele frequency attached by ClinVar (database versions not stated): TOPMed below 0.00001.

Submissions (3):

Baylor Genetics
Classification: Likely pathogenic for Miyoshi muscular dystrophy 1. Last evaluated: 2024-02-17. Review status: criteria provided, single submitter. Criteria: ACMG Guidelines, 2015. Collection method: clinical testing. Allele origin: unknown.

Fulgent Genetics
Classification: Likely pathogenic for Autosomal recessive limb-girdle muscular dystrophy type 2B; Miyoshi muscular dystrophy 1; Distal myopathy with anterior tibial onset. Last evaluated: 2024-02-15. Review status: criteria provided, single submitter. Criteria: ACMG Guidelines, 2015. Collection method: clinical testing. Allele origin: germline.

Labcorp Genetics (formerly Invitae), Labcorp
Classification: Likely pathogenic for Neuromuscular disease caused by qualitative or quantitative defects of dysferlin. Last evaluated: 2024-01-27. Review status: criteria provided, single submitter. Criteria: Invitae Variant Classification Sherloc (09022015). Collection method: clinical testing. Allele origin: germline.
Comment: This sequence change affects a splice site in intron 40 of the DYSF gene. It is expected to disrupt RNA splicing. Variants that disrupt the donor or acceptor splice site typically lead to a loss of protein function (PMID: 16199547), and loss-of-function variants in DYSF are known to be pathogenic (PMID: 17698709, 20301480). This variant is not present in population databases (gnomAD no frequency). This variant has not been reported in the literature in individuals affected with DYSF-related conditions. ClinVar contains an entry for this variant (Variation ID: 2175029). Algorithms developed to predict the effect of sequence changes on RNA splicing suggest that this variant may disrupt the consensus splice site. In summary, the currently available evidence indicates that the variant is pathogenic, but additional data are needed to prove that conclusively. Therefore, this variant has been classified as Likely Pathogenic.

Literature cited by the submitters: PubMed 16199547 (cited by Labcorp Genetics (formerly Invitae), Labcorp); PubMed 17698709 (cited by Labcorp Genetics (formerly Invitae), Labcorp); PubMed 20301480 (cited by Labcorp Genetics (formerly Invitae), Labcorp).